The following is an entry in ClinVar:

NM_144670.6(A2ML1):c.1487A>G (p.Lys496Arg)

Gene: A2ML1 (alpha-2-macroglobulin like 1; plus strand). Cytogenetic location: 12p13.31.
Variant type: single nucleotide variant.
Coding change: c.1487A>G on transcript NM_144670.6 (MANE Select); coding-DNA position 1487, A replaced by G.
Protein change: p.Lys496Arg; replaces lysine 496 with arginine.
Molecular consequence: missense variant.
Genome position (GRCh38, 1-based): chr12:8,845,452, A>G. VCF-style: chr12-8845452-A-G. GRCh37 (hg19) VCF-style: chr12-8998048-A-G.
Other names: c.14A>G, p.Lys5Arg (NM_001282424.3); c.1487A>G (NM_144670.3); short protein forms K5R, K496R.
Identifiers: ClinVar variation 1045673 (VCV001045673.10), dbSNP rs771450618, ClinGen allele CA6435712.

ClinVar aggregate classification (germline): Uncertain significance. Review status: criteria provided, multiple submitters, no conflicts (2 of 4 stars). 2 submissions from 2 submitters: Uncertain significance (2). Last evaluated 2025-10-07.

Allele frequency attached by ClinVar (database versions not stated): gnomAD below 0.00001 and 0.00002; gnomAD exomes 0.00001 and 0.00003; ExAC 0.00002.
gnomAD v4.1: 24 of 1,614,068 alleles (0.0015%); highest among the groups gnomAD compares: South Asian, 0.025%; no homozygotes.

Submissions (2):

Ambry Genetics
Classification: Uncertain significance. Last evaluated: 2025-10-07. Review status: criteria provided, single submitter. Criteria: Ambry Variant Classification Scheme 2023. Collection method: clinical testing. Allele origin: germline.

Labcorp Genetics (formerly Invitae), Labcorp
Classification: Uncertain significance. Last evaluated: 2020-08-20. Review status: criteria provided, single submitter. Criteria: Invitae Variant Classification Sherloc (09022015). Collection method: clinical testing. Allele origin: germline.
Comment: This variant has not been reported in the literature in individuals with A2ML1-related conditions. This sequence change replaces lysine with arginine at codon 496 of the A2ML1 protein (p.Lys496Arg). The lysine residue is moderately conserved and there is a small physicochemical difference between lysine and arginine. This variant is present in population databases (rs771450618, ExAC 0.01%). Algorithms developed to predict the effect of missense changes on protein structure and function output the following: SIFT: "Tolerated"; PolyPhen-2: "Possibly Damaging"; Align-GVGD: "Class C0". The arginine amino acid residue is found in multiple mammalian species, suggesting that this missense change does not adversely affect protein function. These predictions have not been confirmed by published functional studies and their clinical significance is uncertain. In summary, the available evidence is currently insufficient to determine the role of this variant in disease. Therefore, it has been classified as a Variant of Uncertain Significance.